The following is an entry in ClinVar:

NM_058179.4(PSAT1):c.164A>T (p.Asn55Ile)

Gene: PSAT1 (phosphoserine aminotransferase 1; plus strand). Cytogenetic location: 9q21.2.
Variant type: single nucleotide variant.
Coding change: c.164A>T on transcript NM_058179.4 (MANE Select); coding-DNA position 164, A replaced by T.
Protein change: p.Asn55Ile; replaces asparagine 55 with isoleucine.
Molecular consequence: missense variant.
Genome position (GRCh38, 1-based): chr9:78,301,996, A>T. VCF-style: chr9-78301996-A-T. GRCh37 (hg19) VCF-style: chr9-80916912-A-T.
Other names: c.164A>T, p.Asn55Ile (NM_021154.5); short protein forms N55I.
Identifiers: ClinVar variation 1471371 (VCV001471371.4), dbSNP rs777856520, ClinGen allele CA373871909.

ClinVar aggregate classification (germline): Uncertain significance (1 of 4 stars; one submission).

Conditions:
Neu-Laxova syndrome 2. Identifiers: Orphanet 2671, Orphanet 583602, MedGen C4015019, MONDO:0014466, OMIM 616038.

gnomAD v4.1: 1 of 1,611,736 alleles (0.000062%); highest among the groups gnomAD compares: Admixed American, 0.0017%; no homozygotes.

Submission:

Labcorp Genetics (formerly Invitae), Labcorp
Classification: Uncertain significance for Neu-Laxova syndrome 2. Last evaluated: 2023-12-11. Review status: criteria provided, single submitter. Criteria: Invitae Variant Classification Sherloc (09022015). Collection method: clinical testing. Allele origin: germline.
Comment: This sequence change replaces asparagine, which is neutral and polar, with isoleucine, which is neutral and non-polar, at codon 55 of the PSAT1 protein (p.Asn55Ile). This variant is not present in population databases (gnomAD no frequency). This variant has not been reported in the literature in individuals affected with PSAT1-related conditions. ClinVar contains an entry for this variant (Variation ID: 1471371). Advanced modeling of protein sequence and biophysical properties (such as structural, functional, and spatial information, amino acid conservation, physicochemical variation, residue mobility, and thermodynamic stability) performed at Invitae indicates that this missense variant is not expected to disrupt PSAT1 protein function with a negative predictive value of 80%. In summary, the available evidence is currently insufficient to determine the role of this variant in disease. Therefore, it has been classified as a Variant of Uncertain Significance.